The following is an entry in ClinVar:

ClinVar aggregate classification (germline): Pathogenic/Likely pathogenic. Review status: criteria provided, multiple submitters, no conflicts (2 of 4 stars). 2 submissions from 2 submitters: Pathogenic (1); Likely pathogenic (1). Last evaluated 2022-10-01.

Conditions:
Primary ciliary dyskinesia. Also called: Ciliary dyskinesia. Identifiers: Orphanet 244, MedGen C0008780, MONDO:0016575, HP:0012265.
RPGR-related disorder. Also called: RPGR-related condition.

Allele frequency attached by ClinVar (database versions not stated): TOPMed 0.00001.

Submissions (2):

Labcorp Genetics (formerly Invitae), Labcorp
Classification: Pathogenic for Primary ciliary dyskinesia. Last evaluated: 2022-10-01. Review status: criteria provided, single submitter. Criteria: Invitae Variant Classification Sherloc (09022015). Collection method: clinical testing. Allele origin: germline.
Comment: This sequence change creates a premature translational stop signal (p.Glu820Argfs*15) in the RPGR (ORF15) gene. While this is not anticipated to result in nonsense mediated decay, it is expected to disrupt the last 333 amino acid(s) of the RPGR (ORF15) protein. For these reasons, this variant has been classified as Pathogenic. This variant disrupts a region of the RPGR (ORF15) protein in which other variant(s) (p.Leu1130Lysfs*13) have been determined to be pathogenic (PMID: 22264887; Invitae). This suggests that this is a clinically significant region of the protein, and that variants that disrupt it are likely to be disease-causing. This variant has not been reported in the literature in individuals affected with RPGR (ORF15)-related conditions. This variant is not present in population databases (gnomAD no frequency).

Blueprint Genetics
Classification: Likely pathogenic for RPGR-related disorders. Last evaluated: 2019-11-08. Review status: criteria provided, single submitter. Criteria: ACMG Guidelines, 2015. Collection method: clinical testing. Allele origin: germline. Affected: yes. Observed: 2 variant alleles.

Literature cited by the submitters: PubMed 22264887 (cited by Labcorp Genetics (formerly Invitae), Labcorp).

NM_001034853.2(RPGR):c.2457dup (p.Glu820fs)

Gene: RPGR (retinitis pigmentosa GTPase regulator; minus strand). Cytogenetic location: Xp11.4.
Variant type: Duplication.
Coding change: c.2457dup on transcript NM_001034853.2 (MANE Select); coding-DNA position 2457, one base duplicated (A; older notation c.2457dupA).
Protein change: p.Glu820fs; shifts the reading frame from glutamic acid 820.
Molecular consequence: frameshift variant. On other transcripts: intron variant (8).
Genome position (GRCh38, 1-based): chrX:38,286,542, T duplicated on the plus strand (A on the coding strand, the reverse complement: RPGR is on the minus strand). VCF-style (leftmost placement, unchanged base first): chrX-38286541-C-CT. GRCh37 (hg19) VCF-style: chrX-38145794-C-CT.
Other names: c.1569+4417dup (NM_001367249.1, NM_001367250.1); c.1902+552dup (NM_001367245.1); c.1386+4417dup (NM_001367251.1); c.1719+552dup (NM_001367246.1); c.1572+4417dup (NM_001367247.1); c.1905+552dup (NM_000328.3); c.1602+4417dup (NM_001367248.1); short protein forms E820fs.
Identifiers: ClinVar variation 2033667 (VCV002033667.5), dbSNP rs2067180593, ClinGen allele CA2424844792.
Genomic context (GRCh38, chrX:38,286,541, plus strand): 5'-CTTCCTCCTCTTCCCCCTCACCCTCCTCCTCTTCCTCTTCCCTCTCTCCTTTCCCCTCCT[C>CT]TACTTCCCCTCCCTCTACTTCCCCTCCCTCCTCTTTTTCCTCCCCTCTCCCCTCTGTTTC-3'